The following is an entry in ClinVar:

NM_031935.3(HMCN1):c.16780A>G (p.Thr5594Ala)

Gene: HMCN1 (hemicentin 1; plus strand). Cytogenetic location: 1q31.1.
Variant type: single nucleotide variant.
Coding change: c.16780A>G on transcript NM_031935.3 (MANE Select); coding-DNA position 16780, A replaced by G.
Protein change: p.Thr5594Ala; replaces threonine 5594 with alanine.
Molecular consequence: missense variant.
Genome position (GRCh38, 1-based): chr1:186,189,750, A>G. VCF-style: chr1-186189750-A-G. GRCh37 (hg19) VCF-style: chr1-186158882-A-G.
Other names: short protein forms T5594A.
Identifiers: ClinVar variation 2821632 (VCV002821632.3), dbSNP rs2528306325, ClinGen allele CA343906066.

ClinVar aggregate classification (germline): Uncertain significance (1 of 4 stars; one submission).

Submission:

Labcorp Genetics (formerly Invitae), Labcorp
Classification: Uncertain significance. Last evaluated: 2022-12-16. Review status: criteria provided, single submitter. Criteria: Invitae Variant Classification Sherloc (09022015). Collection method: clinical testing. Allele origin: germline.
Comment: This variant is not present in population databases (gnomAD no frequency). This variant has not been reported in the literature in individuals affected with HMCN1-related conditions. Algorithms developed to predict the effect of missense changes on protein structure and function (SIFT, PolyPhen-2, Align-GVGD) all suggest that this variant is likely to be tolerated. In summary, the available evidence is currently insufficient to determine the role of this variant in disease. Therefore, it has been classified as a Variant of Uncertain Significance. This sequence change replaces threonine, which is neutral and polar, with alanine, which is neutral and non-polar, at codon 5594 of the HMCN1 protein (p.Thr5594Ala).